The following is an entry in ClinVar:

ClinVar aggregate classification (germline): Uncertain significance (1 of 4 stars; one submission).

gnomAD v4.1: 23 of 1,613,950 alleles (0.0014%); highest among the groups gnomAD compares: South Asian, 0.023%; no homozygotes.

Submission:

Labcorp Genetics (formerly Invitae), Labcorp
Classification: Uncertain significance. Last evaluated: 2023-12-11. Review status: criteria provided, single submitter. Criteria: Invitae Variant Classification Sherloc (09022015). Collection method: clinical testing. Allele origin: germline.
Comment: This sequence change affects codon 115 of the CLCN6 mRNA. It is a 'silent' change, meaning that it does not change the encoded amino acid sequence of the CLCN6 protein. It affects a nucleotide within the consensus splice site. This variant is present in population databases (rs751537921, gnomAD 0.01%). This variant has not been reported in the literature in individuals affected with CLCN6-related conditions. Algorithms developed to predict the effect of sequence changes on RNA splicing suggest that this variant is not likely to affect RNA splicing. In summary, the available evidence is currently insufficient to determine the role of this variant in disease. Therefore, it has been classified as a Variant of Uncertain Significance.

NM_001286.5(CLCN6):c.345A>G (p.Thr115=)

Gene: CLCN6 (chloride voltage-gated channel 6; plus strand). Cytogenetic location: 1p36.22.
Variant type: single nucleotide variant.
Coding change: c.345A>G on transcript NM_001286.5 (MANE Select); coding-DNA position 345, A replaced by G.
Protein change: p.Thr115=; no amino-acid change (threonine 115 retained).
Molecular consequence: synonymous variant. On other transcripts: non-coding transcript variant (1).
Genome position (GRCh38, 1-based): chr1:11,819,553, A>G. VCF-style: chr1-11819553-A-G. GRCh37 (hg19) VCF-style: chr1-11879610-A-G.
Other names: c.279A>G, p.Thr93= (NM_001256959.2).
Identifiers: ClinVar variation 2798532 (VCV002798532.3), dbSNP rs751537921, ClinGen allele CA596005.